The following is an entry in ClinVar:

ClinVar aggregate classification (germline): Uncertain significance (1 of 4 stars; one submission).

Submission:

Labcorp Genetics (formerly Invitae), Labcorp
Classification: Uncertain significance. Last evaluated: 2022-02-11. Review status: criteria provided, single submitter. Criteria: Invitae Variant Classification Sherloc (09022015). Collection method: clinical testing. Allele origin: germline.
Comment: This variant has not been reported in the literature in individuals affected with COL11A1-related conditions. In summary, the available evidence is currently insufficient to determine the role of this variant in disease. Therefore, it has been classified as a Variant of Uncertain Significance. Advanced modeling of protein sequence and biophysical properties (such as structural, functional, and spatial information, amino acid conservation, physicochemical variation, residue mobility, and thermodynamic stability) performed at Invitae indicates that this missense variant is expected to disrupt COL11A1 protein function. This variant is not present in population databases (gnomAD no frequency). This sequence change replaces glycine, which is neutral and non-polar, with alanine, which is neutral and non-polar, at codon 1252 of the COL11A1 protein (p.Gly1252Ala).

NM_001854.4(COL11A1):c.3755G>C (p.Gly1252Ala)

Gene: COL11A1 (collagen type XI alpha 1 chain; minus strand). Cytogenetic location: 1p21.1.
Variant type: single nucleotide variant.
Coding change: c.3755G>C on transcript NM_001854.4 (MANE Select); coding-DNA position 3755, G replaced by C.
Protein change: p.Gly1252Ala; replaces glycine 1252 with alanine.
Molecular consequence: missense variant. On other transcripts: non-coding transcript variant (1).
Genome position (GRCh38, 1-based): chr1:102,920,318, C>G on the plus strand (G>C on the coding strand, the complement: COL11A1 is on the minus strand). VCF-style: chr1-102920318-C-G. GRCh37 (hg19) VCF-style: chr1-103385874-C-G.
Other names: c.3407G>C, p.Gly1136Ala (NM_001168249.1, NM_080630.4); c.3638G>C, p.Gly1213Ala (NM_001190709.2); c.3791G>C, p.Gly1264Ala (NM_080629.3); short protein forms G1252A, G1264A, G1213A, G1136A.
Identifiers: ClinVar variation 1925981 (VCV001925981.5), dbSNP rs2101066528, ClinGen allele CA341163674.